The following is an entry in ClinVar:

NM_005245.4(FAT1):c.13727C>T (p.Thr4576Met)

Genes: FAT1 (FAT atypical cadherin 1; minus strand), LOC126807253 (BRD4-independent group 4 enhancer GRCh37_chr4:187509297-187510496; plus strand). Cytogenetic location: 4q35.2.
Variant type: single nucleotide variant.
Coding change: c.13727C>T on transcript NM_005245.4 (MANE Select); coding-DNA position 13727, C replaced by T.
Protein change: p.Thr4576Met; replaces threonine 4576 with methionine.
Molecular consequence: missense variant.
Genome position (GRCh38, 1-based): chr4:186,588,632, G>A on the plus strand (C>T on the coding strand, the complement: FAT1 is on the minus strand). VCF-style: chr4-186588632-G-A. GRCh37 (hg19) VCF-style: chr4-187509786-G-A.
Other names: p.Thr4576Met; short protein forms T4576M.
Identifiers: ClinVar variation 783387 (VCV000783387.14), dbSNP rs142057401, ClinGen allele CA3164456.

ClinVar aggregate classification (germline): Benign/Likely benign. Review status: criteria provided, multiple submitters, no conflicts (2 of 4 stars). 4 submissions from 4 submitters: Benign (1); Likely benign (2). 1 of the submissions does not count toward it. Last evaluated 2026-01-21.

Allele frequency attached by ClinVar (database versions not stated): gnomAD exomes 0.00255; ExAC 0.00301; gnomAD 0.01003 and 0.01074; 1000 Genomes Project 30x 0.01031; ESP Exome Variant Server 0.01031; 1000 Genomes Project 0.01038; TOPMed 0.01125.
gnomAD v4.1: 3,131 of 1,613,450 alleles (0.19%); highest among the groups gnomAD compares: African/African-American, 3.6%; 47 homozygotes.

Submissions (4):

Labcorp Genetics (formerly Invitae), Labcorp
Classification: Benign. Last evaluated: 2026-01-21. Review status: criteria provided, single submitter. Criteria: Invitae Variant Classification Sherloc (09022015). Collection method: clinical testing. Allele origin: germline.

Mayo Clinic Laboratories, Mayo Clinic
Classification: Likely benign. Last evaluated: 2025-04-26. Review status: criteria provided, single submitter. Criteria: ACMG Guidelines, 2015. Collection method: clinical testing. Allele origin: germline. Observed: 3 variant alleles.
Comment: BS1, BP4_moderate

GeneDx
Classification: Likely benign. Last evaluated: 2021-05-04. Review status: criteria provided, single submitter. Criteria: GeneDx Variant Classification Process June 2021. Collection method: clinical testing. Allele origin: germline. Affected: yes.

Department of Pathology and Laboratory Medicine, Sinai Health System
Classification: Benign. Review status: no assertion criteria provided. Collection method: clinical testing. Allele origin: unknown. Affected: yes. Study: The Canadian Open Genetics Repository (COGR). Not counted in ClinVar's aggregate classification.
Comment: The FAT1 p.Thr4576Met variant was not identified in the literature nor was it identified in LOVD 3.0 or Cosmic. The variant was identified in dbSNP (ID: rs142057401) and ClinVar (classified as benign by Invitae). The variant was identified in control databases in 948 of 279736 chromosomes (11 homozygous) at a frequency of 0.003389 increasing the likelihood this could be a low frequency benign variant (Genome Aggregation Database March 6, 2019, v2.1.1). The variant was observed in the following populations: African in 854 of 24180 chromosomes (freq: 0.03532), Latino in 58 of 35310 chromosomes (freq: 0.001643), Other in 6 of 7116 chromosomes (freq: 0.000843), European (non-Finnish) in 24 of 127842 chromosomes (freq: 0.000188), East Asian in 3 of 19516 chromosomes (freq: 0.000154) and South Asian in 3 of 30556 chromosomes (freq: 0.000098), but was not observed in the Ashkenazi Jewish or European (Finnish) populations. The p.Thr4576 residue is not conserved in mammals and computational analyses (PolyPhen-2, SIFT, AlignGVGD, BLOSUM, MutationTaster) provide inconsistent predictions regarding the impact to the protein; this information is not very predictive of pathogenicity. The variant occurs outside of the splicing consensus sequence and three of four in silico or computational prediction software programs (SpliceSiteFinder, MaxEntScan, NNSPLICE, GeneSplicer) do not predict a difference in splicing. In summary, based on the above information this variant meets our laboratory's criteria to be classified as benign.